The following is an entry in ClinVar:

ClinVar aggregate classification (germline): Conflicting classifications of pathogenicity. Review status: criteria provided, conflicting classifications (1 of 4 stars). 12 submissions from 12 submitters: Uncertain significance (10); Likely benign (1). 1 of the submissions does not count toward it. Last evaluated 2025-11-16.

Conditions:
BRCA2-related disorder. Also called: BRCA2-related condition; BRCA2-related disorders. Identifiers: MedGen CN239275.
BRCA2-related cancer predisposition. Identifiers: MedGen CN377758, MONDO:0700269.
Hereditary cancer-predisposing syndrome. Also called: Tumor predisposition; Neoplastic Syndromes, Hereditary; Hereditary neoplastic syndrome; Hereditary Cancer Syndrome. Identifiers: Orphanet 140162, MedGen C0027672, MeSH D009386, MONDO:0015356.
Hereditary breast ovarian cancer syndrome. Also called: Hereditary breast and ovarian cancer syndrome; Hereditary breast and ovarian cancer; Hereditary breast and ovarian cancer syndrome (HBOC); Hereditary breast and/or ovarian cancer syndrome; BRCA1- and BRCA2-Associated Hereditary Breast and Ovarian Cancer; Breast and ovarian cancer. Identifiers: Orphanet 145, MedGen C0677776, MeSH D061325, MONDO:0003582. Disease mechanism: loss of function.
Breast-ovarian cancer, familial, susceptibility to, 2 (BROVCA2). Also called: BRCA2 Hereditary Breast and Ovarian Cancer. Identifiers: Orphanet 145, MedGen C2675520, MONDO:0012933, OMIM 612555. Disease mechanism: loss of function.

Allele frequency attached by ClinVar (database versions not stated): 1000 Genomes Project 30x 0.00031; gnomAD exomes below 0.00001 and 0.00001; ExAC 0.00002; gnomAD 0.00002; TOPMed 0.00005; ESP Exome Variant Server 0.00008; 1000 Genomes Project 0.00020.
gnomAD v4.1: 6 of 1,608,024 alleles (0.00037%); highest among the groups gnomAD compares: African/African-American, 0.004%; no homozygotes.

Submissions (12):

Labcorp Genetics (formerly Invitae), Labcorp
Classification: Uncertain significance for Hereditary breast ovarian cancer syndrome. Last evaluated: 2025-11-16. Review status: criteria provided, single submitter. Criteria: Invitae Variant Classification Sherloc (09022015). Collection method: clinical testing. Allele origin: germline.
Comment: This sequence change replaces threonine, which is neutral and polar, with alanine, which is neutral and non-polar, at codon 665 of the BRCA2 protein (p.Thr665Ala). This variant is present in population databases (rs144192844, gnomAD 0.01%). This variant has not been reported in the literature in individuals affected with BRCA2-related conditions. ClinVar contains an entry for this variant (Variation ID: 141539). Invitae Evidence Modeling of protein sequence and biophysical properties (such as structural, functional, and spatial information, amino acid conservation, physicochemical variation, residue mobility, and thermodynamic stability) indicates that this missense variant is not expected to disrupt BRCA2 protein function with a negative predictive value of 95%. In summary, the available evidence is currently insufficient to determine the role of this variant in disease. Therefore, it has been classified as a Variant of Uncertain Significance.

PreventionGenetics, part of Exact Sciences
Classification: Uncertain significance for BRCA2-related condition. Last evaluated: 2025-05-22. Review status: criteria provided, single submitter. Criteria: ACMG Guidelines, 2015. Collection method: clinical testing. Allele origin: germline.
Comment: The BRCA2 c.1993A>G variant is predicted to result in the amino acid substitution p.Thr665Ala. This variant was identified in a pediatric patient affected with hypodiploid acute lymphoblastic leukemia, but was classified as uncertain (Table S4, Zhang et al. 2015. PubMed ID: 26580448). This variant is reported in 0.012% of alleles in individuals of African descent in gnomAD and is reported in ClinVar as a variant of uncertain significance. This variant occurs within a region of the BRCA2 gene that is predicted to be tolerant to missense variation (Table 2, Dines et al. 2020. PubMed ID: 31911673). At this time, the clinical significance of this variant is uncertain due to the absence of conclusive functional and genetic evidence.

Women's Health and Genetics/Laboratory Corporation of America, LabCorp
Classification: Uncertain significance. Last evaluated: 2025-04-25. Review status: criteria provided, single submitter. Criteria: LabCorp Variant Classification Summary - May 2015. Collection method: clinical testing. Allele origin: germline.
Comment: Variant summary: BRCA2 c.1993A>G (p.Thr665Ala) results in a non-conservative amino acid change in the encoded protein sequence. Four of five in-silico tools predict a benign effect of the variant on protein function. The variant allele was found at a frequency of 8.1e-06 in 247100 control chromosomes (gnomAD). The available data on variant occurrences in the general population are insufficient to allow any conclusion about variant significance. c.1993A>G has been observed in individual(s) affected with Hereditary Breast And Ovarian Cancer Syndrome. It has however been reported as a VUS in at-least one individual with hypodiploid ALL (Zhang_2015). The report does not provide unequivocal conclusions about association of the variant with Hereditary Breast And Ovarian Cancer Syndrome. To our knowledge, no experimental evidence demonstrating an impact on protein function has been reported. The following publication have been ascertained in the context of this evaluation (PMID: 26580448). ClinVar contains an entry for this variant (Variation ID: 141539). Based on the evidence outlined above, the variant was classified as uncertain significance.

Ambry Genetics
Classification: Uncertain significance for Hereditary cancer-predisposing syndrome. Last evaluated: 2024-12-18. Review status: criteria provided, single submitter. Criteria: Ambry Variant Classification Scheme 2023. Collection method: clinical testing. Allele origin: germline.
Comment: The p.T665A variant (also known as c.1993A>G), located in coding exon 10 of the BRCA2 gene, results from an A to G substitution at nucleotide position 1993. The threonine at codon 665 is replaced by alanine, an amino acid with similar properties. This amino acid position is not well conserved in available vertebrate species. In addition, the in silico prediction for this alteration is inconclusive. Based on the available evidence, the clinical significance of this variant remains unclear.

Quest Diagnostics Nichols Institute San Juan Capistrano
Classification: Uncertain significance. Last evaluated: 2024-08-07. Review status: criteria provided, single submitter. Criteria: Quest Diagnostics criteria. Collection method: clinical testing. Allele origin: unknown.
Comment: The BRCA2 c.1993A>G (p.Thr665Ala) variant has been reported in the published literature in in an individual with leukemia in a pediatric cancer study (PMID: 26580448 (2015)). This variant has also been reported to be located in a region of the BRCA2 gene that is tolerant to missense sequence changes (PMID: 31911673 (2020)). The frequency of this variant in the general population, 0.00012 (3/24846 chromosomes (Genome Aggregation Database)), is uninformative in the assessment of its pathogenicity. Analysis of this variant using bioinformatics tools for the prediction of the effect of amino acid changes on protein structure and function yielded predictions that this variant is benign. Based on the available information, we are unable to determine the clinical significance of this variant.

All of Us Research Program, National Institutes of Health
Classification: Uncertain significance for BRCA2-related cancer predisposition. Last evaluated: 2024-08-06. Review status: criteria provided, single submitter. Criteria: ACMG Guidelines, 2015. Collection method: clinical testing. Allele origin: germline. Inheritance: Autosomal dominant inheritance. Observed: 4 variant alleles, 4 heterozygotes.
Comment: This missense variant replaces threonine with alanine at codon 665 of the BRCA2 protein. Computational prediction suggests that this variant may not impact protein structure and function. To our knowledge, functional studies have not been reported for this variant. This variant has been reported in an individual affected with hypodiploid ALL (PMID: 26580448). This variant has been identified in 2/247100 chromosomes in the general population by the Genome Aggregation Database (gnomAD). The available evidence is insufficient to determine the role of this variant in disease conclusively. Therefore, this variant is classified as a Variant of Uncertain Significance.

This study involves interpretation of variants in research participants for the purpose of population health screening. Participant phenotype was not available at the time of variant classification. Additional details can be found in publication PMID: 35346344, PMCID: PMC8962531

Blueprint Genetics
Classification: Uncertain significance. Last evaluated: 2024-07-04. Review status: criteria provided, single submitter. Criteria: ACMG Guidelines, 2015. Collection method: clinical testing. Allele origin: germline.

Color Diagnostics, LLC DBA Color Health
Classification: Uncertain significance for Hereditary cancer-predisposing syndrome. Last evaluated: 2024-04-04. Review status: criteria provided, single submitter. Criteria: ACMG Guidelines, 2015. Collection method: clinical testing. Allele origin: germline.
Comment: This missense variant replaces threonine with alanine at codon 665 of the BRCA2 protein. Computational prediction suggests that this variant may not impact protein structure and function. To our knowledge, functional studies have not been reported for this variant. This variant has been reported in an individual affected with hypodiploid ALL (PMID: 26580448). This variant has been identified in 2/247100 chromosomes in the general population by the Genome Aggregation Database (gnomAD). The available evidence is insufficient to determine the role of this variant in disease conclusively. Therefore, this variant is classified as a Variant of Uncertain Significance.

University of Washington Department of Laboratory Medicine, University of Washington
Classification: Likely benign for Hereditary cancer-predisposing syndrome. Last evaluated: 2023-03-23. Review status: criteria provided, single submitter. Criteria: Dines et al. (Genet Med. 2020). Collection method: curation. Allele origin: germline.
Comment: Missense variant in a coldspot region where missense variants are very unlikely to be pathogenic (PMID:31911673).

BRCA2 exon 11 coldspot. Reclassification based on statistical prior probability.

GeneDx
Classification: Uncertain significance. Last evaluated: 2019-11-22. Review status: criteria provided, single submitter. Criteria: GeneDx Variant Classification Process June 2021. Collection method: clinical testing. Allele origin: germline. Affected: yes.
Comment: Has not been previously published as pathogenic or benign to our knowledge; In silico analysis, which includes protein predictors and evolutionary conservation, supports a deleterious effect; Also known as 2221A>G

Eurofins Ntd Llc (ga)
Classification: Uncertain significance. Last evaluated: 2015-03-17. Review status: criteria provided, single submitter. Criteria: EGL Classification Definitions 2015. Collection method: clinical testing. Allele origin: germline. Observed: 1 variant allele, 1 heterozygote.

Counsyl
Classification: Uncertain significance for Breast-ovarian cancer, familial, susceptibility to, 2. Last evaluated: 2016-07-19. Review status: no assertion criteria provided. Collection method: clinical testing. Allele origin: unknown. Not counted in ClinVar's aggregate classification.

Literature cited by the submitters: PubMed 26580448 (cited by 5 submitters); PubMed 31911673 (cited by Quest Diagnostics Nichols Institute San Juan Capistrano); PubMed 38153744 (cited by Quest Diagnostics Nichols Institute San Juan Capistrano); PubMed 31853058 (cited by Quest Diagnostics Nichols Institute San Juan Capistrano).

NM_000059.4(BRCA2):c.1993A>G (p.Thr665Ala)

Gene: BRCA2 (BRCA2 DNA repair associated; plus strand). Cytogenetic location: 13q13.1.
Variant type: single nucleotide variant.
Coding change: c.1993A>G on transcript NM_000059.4 (MANE Select); coding-DNA position 1993, A replaced by G.
Protein change: p.Thr665Ala; replaces threonine 665 with alanine.
Molecular consequence: missense variant.
Genome position (GRCh38, 1-based): chr13:32,336,348, A>G. VCF-style: chr13-32336348-A-G. GRCh37 (hg19) VCF-style: chr13-32910485-A-G.
Other names: p.T665A:ACA>GCA; short protein forms T665A.
Identifiers: ClinVar variation 141539 (VCV000141539.37), dbSNP rs144192844, ClinGen allele CA014092.
Genomic context (GRCh38, chr13:32,336,348, plus strand): 5'-AGAAGCTGTTCACAGAATGATTCTGAAGAACCAACTTTGTCCTTAACTAGCTCTTTTGGG[A>G]CAATTCTGAGGAAATGTTCTAGAAATGAAACATGTTCTAATAATACAGTAATCTCTCAGG-3'
Protein context (NP_000050.3, residues 655-675): PTLSLTSSFG[Thr665Ala]ILRKCSRNET